The following is an entry in ClinVar:

ClinVar aggregate classification (germline): Uncertain significance. Review status: criteria provided, multiple submitters, no conflicts (2 of 4 stars). 2 submissions from 2 submitters: Uncertain significance (2). Last evaluated 2022-07-05.

Allele frequency attached by ClinVar (database versions not stated): TOPMed below 0.00001; gnomAD 0.00001; ESP Exome Variant Server 0.00008.
gnomAD v4.1: 1 of 1,612,448 alleles (0.000062%); highest among the groups gnomAD compares: Non-Finnish European, 0.000085%; no homozygotes.

Submissions (2):

Labcorp Genetics (formerly Invitae), Labcorp
Classification: Uncertain significance. Last evaluated: 2022-07-05. Review status: criteria provided, single submitter. Criteria: Invitae Variant Classification Sherloc (09022015). Collection method: clinical testing. Allele origin: germline.
Comment: In summary, the available evidence is currently insufficient to determine the role of this variant in disease. Therefore, it has been classified as a Variant of Uncertain Significance. Algorithms developed to predict the effect of missense changes on protein structure and function (SIFT, PolyPhen-2, Align-GVGD) all suggest that this variant is likely to be tolerated. This variant has not been reported in the literature in individuals affected with SUCO-related conditions. This variant is not present in population databases (gnomAD no frequency). This sequence change replaces glutamine, which is neutral and polar, with arginine, which is basic and polar, at codon 470 of the SUCO protein (p.Gln470Arg).

Breakthrough Genomics
Classification: Uncertain significance. Review status: criteria provided, single submitter. Criteria: ACMG Guidelines, 2015. Collection method: not provided. Allele origin: germline. Inheritance: Unknown mechanism. Affected: yes.

NM_014283.5(SUCO):c.1409A>G (p.Gln470Arg)

Gene: SUCO (SUN domain containing ossification factor; plus strand). Cytogenetic location: 1q24.3.
Variant type: single nucleotide variant.
Coding change: c.1409A>G on transcript NM_014283.5 (MANE Select); coding-DNA position 1409, A replaced by G.
Protein change: p.Gln470Arg; replaces glutamine 470 with arginine.
Molecular consequence: missense variant. On other transcripts: 5 prime UTR variant (1).
Genome position (GRCh38, 1-based): chr1:172,578,366, A>G. VCF-style: chr1-172578366-A-G. GRCh37 (hg19) VCF-style: chr1-172547506-A-G.
Other names: c.1298A>G, p.Gln433Arg (NM_001282750.2); c.-121A>G (NM_001282751.2); c.1862A>G, p.Gln621Arg (NM_016227.4); short protein forms Q433R, Q621R, Q470R.
Identifiers: ClinVar variation 2060782 (VCV002060782.5), dbSNP rs368119266, ClinGen allele CA32721875.
Genomic context (GRCh38, chr1:172,578,366, plus strand): 5'-GCACTAGCATGGTGGAAGAATATGAAGAAATTGCTGATTCCCAGTATCACTCAGAACGCC[A>G]GGAACTATTTGATGAGGACTATGGTAAGTGACATCAAACAGATGACTGTTAGGTATATTT-3'
Protein context (NP_055098.1, residues 460-480): IADSQYHSER[Gln470Arg]ELFDEDYDYP